The following is an entry in ClinVar:

NM_000021.4(PSEN1):c.1133G>T (p.Gly378Val)

Gene: PSEN1 (presenilin 1; plus strand). Cytogenetic location: 14q24.2.
Variant type: single nucleotide variant.
Coding change: c.1133G>T on transcript NM_000021.4 (MANE Select); coding-DNA position 1133, G replaced by T.
Protein change: p.Gly378Val; replaces glycine 378 with valine.
Molecular consequence: missense variant.
Genome position (GRCh38, 1-based): chr14:73,217,129, G>T. VCF-style: chr14-73217129-G-T. GRCh37 (hg19) VCF-style: chr14-73683837-G-T.
Other names: c.1121G>T, p.Gly374Val (NM_007318.3); c.1133G>T (NM_000021.3); short protein forms G378V, G374V.
Identifiers: ClinVar variation 98100 (VCV000098100.2), dbSNP rs63750323, ClinGen allele CA225157.

ClinVar aggregate classification (germline): Likely pathogenic. Review status: criteria provided, single submitter (1 of 4 stars). 2 submissions from 2 submitters: Likely pathogenic (1). 1 of the submissions does not count toward it. Last evaluated 2023-04-07.

Submissions (2):

GeneDx
Classification: Likely pathogenic. Last evaluated: 2023-04-07. Review status: criteria provided, single submitter. Criteria: GeneDx Variant Classification Process June 2021. Collection method: clinical testing. Allele origin: germline. Affected: yes.
Comment: In silico analysis supports that this missense variant has a deleterious effect on protein structure/function; Not observed at significant frequency in large population cohorts (gnomAD); Published functional studies suggest a damaging effect with decreased protein production compared to wild type (Sun et al., 2017); This variant is associated with the following publications: (PMID: 31914229, 27777022, 28461250, 27073747, 21533266, 24860142, 28350801, 24625695, 26756738, 36142879, 24729694, 27930341, 15534185, 12552037, 27743520)

VIB  Department of Molecular Genetics, University of Antwerp
No classification provided. Review status: no classification provided. Collection method: not provided. Allele origin: not provided. Not counted in ClinVar's aggregate classification.